The following is an entry in ClinVar:

ClinVar aggregate classification (germline): Uncertain significance (1 of 4 stars; one submission).

Conditions:
Ullrich congenital muscular dystrophy 2 (UCMD2). Identifiers: Orphanet 75840, MedGen C4225314, MONDO:0014654, OMIM 616470.
Bethlem myopathy 2 (BTHLM2). Identifiers: Orphanet 536516, Orphanet 610, MedGen C4225313, MONDO:0034022, OMIM 616471.

Allele frequency attached by ClinVar (database versions not stated): gnomAD exomes below 0.00001; gnomAD 0.00001; TOPMed 0.00001.
gnomAD v4.1: 3 of 1,614,048 alleles (0.00019%); highest among the groups gnomAD compares: Admixed American, 0.0033%; no homozygotes.

Submission:

Labcorp Genetics (formerly Invitae), Labcorp
Classification: Uncertain significance for Bethlem myopathy 2; Ullrich congenital muscular dystrophy 2. Last evaluated: 2024-07-10. Review status: criteria provided, single submitter. Criteria: Invitae Variant Classification Sherloc (09022015). Collection method: clinical testing. Allele origin: germline.
Comment: This sequence change replaces asparagine, which is neutral and polar, with lysine, which is basic and polar, at codon 355 of the COL12A1 protein (p.Asn355Lys). This variant is not present in population databases (gnomAD no frequency). This variant has not been reported in the literature in individuals affected with COL12A1-related conditions. ClinVar contains an entry for this variant (Variation ID: 849708). Advanced modeling of protein sequence and biophysical properties (such as structural, functional, and spatial information, amino acid conservation, physicochemical variation, residue mobility, and thermodynamic stability) performed at Invitae indicates that this missense variant is not expected to disrupt COL12A1 protein function with a negative predictive value of 80%. In summary, the available evidence is currently insufficient to determine the role of this variant in disease. Therefore, it has been classified as a Variant of Uncertain Significance.

NM_004370.6(COL12A1):c.1065T>A (p.Asn355Lys)

Gene: COL12A1 (collagen type XII alpha 1 chain; minus strand). Cytogenetic location: 6q13.
Variant type: single nucleotide variant.
Coding change: c.1065T>A on transcript NM_004370.6 (MANE Select); coding-DNA position 1065, T replaced by A.
Protein change: p.Asn355Lys; replaces asparagine 355 with lysine.
Molecular consequence: missense variant. On other transcripts: intron variant (1).
Genome position (GRCh38, 1-based): chr6:75,184,077, A>T on the plus strand (T>A on the coding strand, the complement: COL12A1 is on the minus strand). VCF-style: chr6-75184077-A-T. GRCh37 (hg19) VCF-style: chr6-75893793-A-T.
Other names: c.73+18643T>A (NM_080645.3); short protein forms N355K.
Identifiers: ClinVar variation 849708 (VCV000849708.10), dbSNP rs1769480073, ClinGen allele CA364773873.
Genomic context (GRCh38, chr6:75,184,077, plus strand): 5'-GCTTCCTGCAGTCATTGGTGTGAGGATGACTTTGTAGCCAGTCACTGGACTAGGAGATGG[A>T]TTCCAATTTAGCTTAACATATTTTGAAGAGACTTCCATGGCAATCAAATTTGAAGGAGGC-3'
Protein context (NP_004361.3, residues 345-365): VSSKYVKLNW[Asn355Lys]PSPSPVTGYK